The following is an entry in ClinVar:

ClinVar aggregate classification (germline): Uncertain significance (1 of 4 stars; one submission).

Allele frequency attached by ClinVar (database versions not stated): gnomAD 0.00001; ExAC 0.00002; gnomAD exomes 0.00003; TOPMed 0.00003; ESP Exome Variant Server 0.00008.
gnomAD v4.1: 41 of 1,610,470 alleles (0.0025%); highest among the groups gnomAD compares: Middle Eastern, 0.033%; no homozygotes.

Submission:

Labcorp Genetics (formerly Invitae), Labcorp
Classification: Uncertain significance. Last evaluated: 2024-08-11. Review status: criteria provided, single submitter. Criteria: Invitae Variant Classification Sherloc (09022015). Collection method: clinical testing. Allele origin: germline.
Comment: This sequence change replaces arginine, which is basic and polar, with cysteine, which is neutral and slightly polar, at codon 64 of the NBAS protein (p.Arg64Cys). This variant is present in population databases (rs373101097, gnomAD 0.007%). This variant has not been reported in the literature in individuals affected with NBAS-related conditions. ClinVar contains an entry for this variant (Variation ID: 1989668). Advanced modeling of protein sequence and biophysical properties (such as structural, functional, and spatial information, amino acid conservation, physicochemical variation, residue mobility, and thermodynamic stability) performed at Invitae indicates that this missense variant is not expected to disrupt NBAS protein function with a negative predictive value of 95%. In summary, the available evidence is currently insufficient to determine the role of this variant in disease. Therefore, it has been classified as a Variant of Uncertain Significance.

NM_015909.4(NBAS):c.190C>T (p.Arg64Cys)

Gene: NBAS (NBAS subunit of NRZ tethering complex; minus strand). Cytogenetic location: 2p24.3.
Variant type: single nucleotide variant.
Coding change: c.190C>T on transcript NM_015909.4 (MANE Select); coding-DNA position 190, C replaced by T.
Protein change: p.Arg64Cys; replaces arginine 64 with cysteine.
Molecular consequence: missense variant. On other transcripts: non-coding transcript variant (1).
Genome position (GRCh38, 1-based): chr2:15,556,802, G>A on the plus strand (C>T on the coding strand, the complement: NBAS is on the minus strand). VCF-style: chr2-15556802-G-A. GRCh37 (hg19) VCF-style: chr2-15696926-G-A.
Other names: short protein forms R64C.
Identifiers: ClinVar variation 1989668 (VCV001989668.3), dbSNP rs373101097, ClinGen allele CA1537183.
Genomic context (GRCh38, chr2:15,556,802, plus strand): 5'-TTTGATGTTCATACTGTTTCTCTGAAGAACCGAAGACTCACCTGTACCAGATGTATTGGC[G>A]TAAAAATAATAAACGATCTGTAATCAAAAGAAATGGCAAAGCCAAATATAAATCAGCTGT-3'
Protein context (NP_056993.2, residues 54-74): KAIRDRLLFL[Arg64Cys]QYIWYSPAPF